The following is an entry in ClinVar:

NM_001276274.2(TMEM80):c.450C>T (p.Asp150=)

Genes: DEAF1 (DEAF1 transcription factor; minus strand), TMEM80 (transmembrane protein 80; plus strand). Cytogenetic location: 11p15.5.
Variant type: single nucleotide variant.
Coding change: c.450C>T on transcript NM_001276274.2; coding-DNA position 450, C replaced by T.
Protein change: p.Asp150=; no amino-acid change (aspartic acid 150 retained).
Molecular consequence: synonymous variant. On other transcripts: intron variant (1).
Genome position (GRCh38, 1-based): chr11:704,463, C>T. VCF-style: chr11-704463-C-T. GRCh37 (hg19) VCF-style: chr11-704463-C-T.
Other names: c.-438+2109G>A (NM_001367390.1).
Identifiers: ClinVar variation 4874572 (VCV004874572.2).
Genomic context (GRCh38, chr11:704,463, plus strand): 5'-TCCTGGGCCGACTTCCTTTGACCTGTCTGTGGCCCCCAGTGGCCACGGTGAGCTGCAGGA[C>T]AGCCCTGAGGACCCACTTCACACACCAGCGCCTGAGCGCCTCGGGCCACCTCCCTCACCA-3'

ClinVar aggregate classification (germline): Likely benign (1 of 4 stars; one submission).

Submission:

CeGaT Center for Human Genetics Tuebingen
Classification: Likely benign. Last evaluated: 2026-04-01. Review status: criteria provided, single submitter. Criteria: CeGaT Center For Human Genetics Tuebingen Variant Classification Criteria Version 2. Collection method: clinical testing. Allele origin: germline. Affected: yes. Observed: 1 variant allele.
Comment: TMEM80: PM2:Supporting, BP4, BP7